The following is an entry in ClinVar:

ClinVar aggregate classification (germline): Pathogenic/Likely pathogenic. Review status: criteria provided, multiple submitters, no conflicts (2 of 4 stars). 2 submissions from 2 submitters: Pathogenic (1); Likely pathogenic (1). Last evaluated 2025-12-22.

Conditions:
COL18A1-related disorder. Also called: COL18A1-related disorders; COL18A1-related condition.

Submissions (2):

Labcorp Genetics (formerly Invitae), Labcorp
Classification: Pathogenic. Last evaluated: 2025-12-22. Review status: criteria provided, single submitter. Criteria: Invitae Variant Classification Sherloc (09022015). Collection method: clinical testing. Allele origin: germline.
Comment: This sequence change creates a premature translational stop signal (p.Pro941Thrfs*137) in the COL18A1 gene. It is expected to result in an absent or disrupted protein product. Loss-of-function variants in COL18A1 are known to be pathogenic (PMID: 12415512, 25456301). The frequency data for this variant in the population databases is considered unreliable, as metrics indicate poor data quality at this position in the gnomAD database. This variant has not been reported in the literature in individuals affected with COL18A1-related conditions. ClinVar contains an entry for this variant (Variation ID: 1452039). For these reasons, this variant has been classified as Pathogenic.

Blueprint Genetics
Classification: Likely pathogenic for COL18A1-related disorders. Last evaluated: 2022-03-18. Review status: criteria provided, single submitter. Criteria: ACMG Guidelines, 2015. Collection method: clinical testing. Allele origin: germline. Affected: yes. Observed: 2 variant alleles.

Literature cited by the submitters: PubMed 12415512 (cited by Labcorp Genetics (formerly Invitae), Labcorp); PubMed 25456301 (cited by Labcorp Genetics (formerly Invitae), Labcorp).

NM_001379500.1(COL18A1):c.2824_2840del (p.Gly942fs)

Genes: COL18A1 (collagen type XVIII alpha 1 chain; plus strand), SLC19A1 (solute carrier family 19 member 1; minus strand). Cytogenetic location: 21q22.3.
Variant type: Deletion.
Coding change: c.2824_2840del on transcript NM_001379500.1 (MANE Select); coding-DNA positions 2824 to 2840, 17 bases deleted (GGCCCCCCAGGCCCCCC).
Protein change: p.Gly942fs; shifts the reading frame from glycine 942.
Molecular consequence: frameshift variant.
Genome position (GRCh38, 1-based): chr21:45,504,512-45,504,528, GGCCCCCCAGGCCCCCC deleted; deleting any 17 consecutive bases within chr21:45,504,506-45,504,528 gives the same sequence; the c. name uses the placement nearest the transcript's 3' end. VCF-style (leftmost placement, unchanged base first): chr21-45504505-CCCCCCCGGCCCCCCAGG-C. GRCh37 (hg19) VCF-style: chr21-46924419-CCCCCCCGGCCCCCCAGG-C.
Other names: c.3364_3377del, p.Gly1122fs (NM_030582.4); c.4069_4082del, p.Gly1357fs (NM_130444.3); short protein forms G1122fs, G942fs, G1357fs.
Identifiers: ClinVar variation 1452039 (VCV001452039.7), dbSNP rs762939986, ClinGen allele CA10067485.
Genomic context (GRCh38, chr21:45,504,505, plus strand): 5'-ACAGAAAGGCGAAAGGGGGGAGCCCGGGGGCGGCGGTTTCTTCGGCTCCAGCCTGCCCGG[CCCCCCCGGCCCCCCAGG>C]CCCCCCAGGCCCACGTGGCTACCCTGGGATTCCAGTAAGTCCCAGCCTGTGCAGGCAGAG-3'